The following is an entry in ClinVar:

NM_001289125.3(IFNAR2):c.396G>A (p.Met132Ile)

Genes: IFNAR2 (interferon alpha and beta receptor subunit 2; plus strand), IFNAR2-IL10RB (IFNAR2-IL10RB readthrough; plus strand). Cytogenetic location: 21q22.11.
Variant type: single nucleotide variant.
Coding change: c.396G>A on transcript NM_001289125.3 (MANE Select); coding-DNA position 396, G replaced by A.
Protein change: p.Met132Ile; replaces methionine 132 with isoleucine.
Molecular consequence: missense variant.
Genome position (GRCh38, 1-based): chr21:33,248,710, G>A. VCF-style: chr21-33248710-G-A. GRCh37 (hg19) VCF-style: chr21-34621015-G-A.
Other names: c.396G>A, p.Met132Ile (NM_001414505.1, NM_000874.5, NM_001289126.2 and 5 more transcripts); short protein forms M132I.
Identifiers: ClinVar variation 1936723 (VCV001936723.5), dbSNP rs2516717876, ClinGen allele CA410098920.

ClinVar aggregate classification (germline): Uncertain significance (1 of 4 stars; one submission).

Submission:

Labcorp Genetics (formerly Invitae), Labcorp
Classification: Uncertain significance. Last evaluated: 2022-02-09. Review status: criteria provided, single submitter. Criteria: Invitae Variant Classification Sherloc (09022015). Collection method: clinical testing. Allele origin: germline.
Comment: This variant has not been reported in the literature in individuals affected with IFNAR2-related conditions. Algorithms developed to predict the effect of missense changes on protein structure and function output the following: SIFT: "Deleterious"; PolyPhen-2: "Benign"; Align-GVGD: "Class C0". The isoleucine amino acid residue is found in multiple mammalian species, which suggests that this missense change does not adversely affect protein function. In summary, the available evidence is currently insufficient to determine the role of this variant in disease. Therefore, it has been classified as a Variant of Uncertain Significance. This variant is not present in population databases (gnomAD no frequency). This sequence change replaces methionine, which is neutral and non-polar, with isoleucine, which is neutral and non-polar, at codon 132 of the IFNAR2 protein (p.Met132Ile).